The following is an entry in ClinVar:

ClinVar aggregate classification (germline): Uncertain significance. Review status: criteria provided, multiple submitters, no conflicts (2 of 4 stars). 2 submissions from 2 submitters: Uncertain significance (2). Last evaluated 2025-09-24.

Allele frequency attached by ClinVar (database versions not stated): gnomAD 0.00001.
gnomAD v4.1: 1 of 1,614,088 alleles (0.000062%); highest among the groups gnomAD compares: South Asian, 0.0011%; no homozygotes.

Submissions (2):

Ambry Genetics
Classification: Uncertain significance. Last evaluated: 2025-09-24. Review status: criteria provided, single submitter. Criteria: Ambry Variant Classification Scheme 2023. Collection method: clinical testing. Allele origin: germline.

Labcorp Genetics (formerly Invitae), Labcorp
Classification: Uncertain significance. Last evaluated: 2023-03-24. Review status: criteria provided, single submitter. Criteria: Invitae Variant Classification Sherloc (09022015). Collection method: clinical testing. Allele origin: germline.
Comment: This variant is not present in population databases (gnomAD no frequency). This sequence change replaces alanine, which is neutral and non-polar, with threonine, which is neutral and polar, at codon 1049 of the NIN protein (p.Ala1049Thr). This variant has not been reported in the literature in individuals affected with NIN-related conditions. Algorithms developed to predict the effect of missense changes on protein structure and function output the following: SIFT: "Not Available"; PolyPhen-2: "Benign"; Align-GVGD: "Not Available". The threonine amino acid residue is found in multiple mammalian species, which suggests that this missense change does not adversely affect protein function. In summary, the available evidence is currently insufficient to determine the role of this variant in disease. Therefore, it has been classified as a Variant of Uncertain Significance.

NM_020921.4(NIN):c.3145G>A (p.Ala1049Thr)

Gene: NIN (ninein; minus strand). Cytogenetic location: 14q22.1.
Variant type: single nucleotide variant.
Coding change: c.3145G>A on transcript NM_020921.4 (MANE Select); coding-DNA position 3145, G replaced by A.
Protein change: p.Ala1049Thr; replaces alanine 1049 with threonine.
Molecular consequence: missense variant. On other transcripts: intron variant (1).
Genome position (GRCh38, 1-based): chr14:50,757,885, C>T on the plus strand (G>A on the coding strand, the complement: NIN is on the minus strand). VCF-style: chr14-50757885-C-T. GRCh37 (hg19) VCF-style: chr14-51224603-C-T.
Other names: c.3145G>A, p.Ala1049Thr (NM_182944.3, NM_182946.2); c.2399+1972G>A (NM_016350.5); c.3145G>A (NM_020921.3); short protein forms A1049T.
Identifiers: ClinVar variation 2832712 (VCV002832712.4), dbSNP rs2042105115, ClinGen allele CA389698374.